The following is an entry in ClinVar:

ClinVar aggregate classification (germline): Uncertain significance. Review status: criteria provided, multiple submitters, no conflicts (2 of 4 stars). 2 submissions from 2 submitters: Uncertain significance (2). Last evaluated 2023-06-02.

Conditions:
Inborn genetic diseases. Identifiers: MedGen C0950123, MeSH D030342.

Allele frequency attached by ClinVar (database versions not stated): gnomAD 0.00001; TOPMed 0.00002.

Submissions (2):

Ambry Genetics
Classification: Uncertain significance for Inborn genetic diseases. Last evaluated: 2023-06-02. Review status: criteria provided, single submitter. Criteria: Ambry Variant Classification Scheme 2023. Collection method: clinical testing. Allele origin: germline.

Labcorp Genetics (formerly Invitae), Labcorp
Classification: Uncertain significance. Last evaluated: 2022-09-09. Review status: criteria provided, single submitter. Criteria: Invitae Variant Classification Sherloc (09022015). Collection method: clinical testing. Allele origin: germline.
Comment: In summary, the available evidence is currently insufficient to determine the role of this variant in disease. Therefore, it has been classified as a Variant of Uncertain Significance. Advanced modeling of protein sequence and biophysical properties (such as structural, functional, and spatial information, amino acid conservation, physicochemical variation, residue mobility, and thermodynamic stability) performed at Invitae indicates that this missense variant is not expected to disrupt THBD protein function. ClinVar contains an entry for this variant (Variation ID: 1469028). This variant has not been reported in the literature in individuals affected with THBD-related conditions. This variant is present in population databases (no rsID available, gnomAD 0.007%). This sequence change replaces glutamine, which is neutral and polar, with glutamic acid, which is acidic and polar, at codon 156 of the THBD protein (p.Gln156Glu).

NM_000361.3(THBD):c.466C>G (p.Gln156Glu)

Gene: THBD (thrombomodulin; minus strand). Cytogenetic location: 20p11.21.
Variant type: single nucleotide variant.
Coding change: c.466C>G on transcript NM_000361.3 (MANE Select); coding-DNA position 466, C replaced by G.
Protein change: p.Gln156Glu; replaces glutamine 156 with glutamic acid.
Molecular consequence: missense variant.
Genome position (GRCh38, 1-based): chr20:23,049,039, G>C on the plus strand (C>G on the coding strand, the complement: THBD is on the minus strand). VCF-style: chr20-23049039-G-C. GRCh37 (hg19) VCF-style: chr20-23029676-G-C.
Other names: c.466C>G (NM_000361.2); short protein forms Q156E.
Identifiers: ClinVar variation 1469028 (VCV001469028.10), dbSNP rs977156142, ClinGen allele CA313552065.